The following is an entry in ClinVar:

ClinVar aggregate classification (germline): Uncertain significance (1 of 4 stars; one submission).

Submission:

Labcorp Genetics (formerly Invitae), Labcorp
Classification: Uncertain significance. Last evaluated: 2022-12-31. Review status: criteria provided, single submitter. Criteria: Invitae Variant Classification Sherloc (09022015). Collection method: clinical testing. Allele origin: germline.
Comment: Advanced modeling of protein sequence and biophysical properties (such as structural, functional, and spatial information, amino acid conservation, physicochemical variation, residue mobility, and thermodynamic stability) performed at Invitae indicates that this missense variant is not expected to disrupt LOX protein function. In summary, the available evidence is currently insufficient to determine the role of this variant in disease. Therefore, it has been classified as a Variant of Uncertain Significance. This variant has not been reported in the literature in individuals affected with LOX-related conditions. This sequence change replaces proline, which is neutral and non-polar, with histidine, which is basic and polar, at codon 152 of the LOX protein (p.Pro152His). This variant is not present in population databases (gnomAD no frequency).

NM_002317.7(LOX):c.455C>A (p.Pro152His)

Genes: LOX (lysyl oxidase; minus strand), SRFBP1 (serum response factor binding protein 1; plus strand). Cytogenetic location: 5q23.1.
Variant type: single nucleotide variant.
Coding change: c.455C>A on transcript NM_002317.7 (MANE Select); coding-DNA position 455, C replaced by A.
Protein change: p.Pro152His; replaces proline 152 with histidine.
Molecular consequence: missense variant.
Genome position (GRCh38, 1-based): chr5:122,077,531, G>T on the plus strand (C>A on the coding strand, the complement: LOX is on the minus strand). VCF-style: chr5-122077531-G-T. GRCh37 (hg19) VCF-style: chr5-121413226-G-T.
Other names: short protein forms P152H.
Identifiers: ClinVar variation 2804687 (VCV002804687.3), dbSNP rs1228984240, ClinGen allele CA360876142.